The following is an entry in ClinVar:

NM_018055.5(NODAL):c.125C>T (p.Ala42Val)

Gene: NODAL (nodal growth differentiation factor; minus strand). Cytogenetic location: 10q22.1.
Variant type: single nucleotide variant.
Coding change: c.125C>T on transcript NM_018055.5 (MANE Select); coding-DNA position 125, C replaced by T.
Protein change: p.Ala42Val; replaces alanine 42 with valine.
Molecular consequence: missense variant. On other transcripts: intron variant (1).
Genome position (GRCh38, 1-based): chr10:70,441,543, G>A on the plus strand (C>T on the coding strand, the complement: NODAL is on the minus strand). VCF-style: chr10-70441543-G-A. GRCh37 (hg19) VCF-style: chr10-72201299-G-A.
Other names: c.-206-5560C>T (NM_001329906.2); short protein forms A42V.
Identifiers: ClinVar variation 300312 (VCV000300312.6), dbSNP rs146471900, ClinGen allele CA10635598.

ClinVar aggregate classification (germline): Uncertain significance. Review status: criteria provided, multiple submitters, no conflicts (2 of 4 stars). 3 submissions from 2 submitters: Uncertain significance (3). Last evaluated 2021-06-03.

Conditions:
Heterotaxy, visceral, 5, autosomal (HTX5). Also called: Heterotaxy, visceral, 5. Identifiers: Orphanet 450, MedGen C3495537, MONDO:0700112, OMIM 270100.
Holoprosencephaly sequence (HPE). Also called: Holoprosencephaly. Identifiers: Orphanet 2162, MedGen C0079541, MONDO:0016296, HP:0001360.

Allele frequency attached by ClinVar (database versions not stated): TOPMed below 0.00001.

Submissions (3):

GeneDx
Classification: Uncertain significance. Last evaluated: 2021-06-03. Review status: criteria provided, single submitter. Criteria: GeneDx Variant Classification Process June 2021. Collection method: clinical testing. Allele origin: germline. Affected: yes.
Comment: Not observed at significant frequency in large population cohorts (Lek et al., 2016); In silico analysis supports that this missense variant does not alter protein structure/function; Has not been previously published as pathogenic or benign to our knowledge; This variant is associated with the following publications: (PMID: 27535533, 26582918)

Illumina Laboratory Services, Illumina
Classification: Uncertain significance for Heterotaxy, visceral, 5, autosomal. Last evaluated: 2018-01-12. Review status: criteria provided, single submitter. Criteria: ICSL Variant Classification Criteria 13 December 2019. Collection method: clinical testing. Allele origin: germline.

Illumina Laboratory Services, Illumina
Classification: Uncertain significance for Holoprosencephaly sequence. Last evaluated: 2018-01-12. Review status: criteria provided, single submitter. Criteria: ICSL Variant Classification Criteria 13 December 2019. Collection method: clinical testing. Allele origin: germline.